The following is an entry in ClinVar:

NM_033380.3(COL4A5):c.1033-6A>G

Gene: COL4A5 (collagen type IV alpha 5 chain; plus strand). Cytogenetic location: Xq22.3.
Variant type: single nucleotide variant.
Coding change: c.1033-6A>G on transcript NM_033380.3 (MANE Select); 6 bases into the intron before coding-DNA position 1033, A replaced by G.
Molecular consequence: intron variant.
Genome position (GRCh38, 1-based): chrX:108,586,609, A>G. VCF-style: chrX-108586609-A-G. GRCh37 (hg19) VCF-style: chrX-107829839-A-G.
Other names: c.1033-6A>G (NM_000495.5).
Identifiers: ClinVar variation 222058 (VCV000222058.6), dbSNP rs869025330, ClinGen allele CA351686.

ClinVar aggregate classification (germline): Conflicting classifications of pathogenicity. Review status: criteria provided, conflicting classifications (1 of 4 stars). 3 submissions from 3 submitters: Likely pathogenic (1); Uncertain significance (2). Last evaluated 2020-12-28.

Conditions:
X-linked Alport syndrome (ATS1). Also called: COL4A5-Related Nephropathy; NEPHROPATHY AND DEAFNESS, X-LINKED. Identifiers: Orphanet 63, Orphanet 88917, MedGen C4746986, MONDO:0010520, OMIM 301050.

Submissions (3):

GeneDx
Classification: Uncertain significance. Last evaluated: 2020-12-28. Review status: criteria provided, single submitter. Criteria: GeneDx Variant Classification Process June 2021. Collection method: clinical testing. Allele origin: germline. Affected: yes.
Comment: Not observed in large population cohorts (Lek et al., 2016); In silico analysis, which includes splice predictors and evolutionary conservation, suggests this variant may impact gene splicing. In the absence of RNA/functional studies, the actual effect of this sequence change is unknown.; This variant is associated with the following publications: (PMID: 26934356)

Genetic Diagnostic Laboratory, University of Szeged
Classification: Likely pathogenic for X-linked Alport syndrome. Last evaluated: 2016-02-02. Review status: criteria provided, single submitter. Criteria: Genetic Diagnostic Assertion Criteria ver.1 Jan.2016. Collection method: clinical testing. Allele origin: inherited. Affected: yes. Observed: 5 variant alleles, 1 hemizygote.

Precision Medicine Center, Zhengzhou University
Classification: Uncertain significance for X-linked Alport syndrome. Review status: criteria provided, single submitter. Criteria: ACMG Guidelines, 2015. Collection method: research. Allele origin: germline. Affected: yes.
Comment: PM2:not found in gnomAD